The following is an entry in ClinVar:

NM_130839.5(UBE3A):c.2563_2566del (p.Leu855fs)

Genes: SNHG14 (small nucleolar RNA host gene 14; plus strand), UBE3A (ubiquitin protein ligase E3A; minus strand). Cytogenetic location: 15q11.2.
Variant type: Deletion.
Coding change: c.2563_2566del on transcript NM_130839.5 (MANE Select); coding-DNA positions 2563 to 2566, 4 bases deleted (CTTA; older notation c.2563_2566delCTTA).
Protein change: p.Leu855fs; shifts the reading frame from leucine 855.
Molecular consequence: frameshift variant. On other transcripts: non-coding transcript variant (1).
Genome position (GRCh38, 1-based): chr15:25,339,190-25,339,193, TAAG deleted on the plus strand (CTTA on the coding strand, the reverse complement: UBE3A is on the minus strand); deleting any 4 consecutive bases within chr15:25,339,190-25,339,194 gives the same sequence; the c. name uses the placement nearest the transcript's 3' end. VCF-style (leftmost placement, unchanged base first): chr15-25339189-TTAAG-T. GRCh37 (hg19) VCF-style: chr15-25584336-TTAAG-T.
Other names: c.2572_2575del, p.Leu858fs (NM_000462.5); c.2563_2566del, p.Leu855fs (NM_001354505.1, NM_001354538.2); c.2503_2506del, p.Leu835fs (NM_001354506.2, NM_001354507.2, NM_001354508.2 and 14 more transcripts); c.2407_2410del, p.Leu803fs (NM_001354545.2); c.2386_2389del, p.Leu796fs (NM_001354546.2); c.2347_2350del, p.Leu783fs (NM_001354547.2, NM_001354548.2); c.2338_2341del, p.Leu780fs (NM_001354549.2); c.1312_1315del, p.Leu438fs (NM_001354550.2); and 1 more; short protein forms L796fs, L783fs, L803fs, L855fs, L418fs, L438fs, L780fs, L835fs.
Identifiers: ClinVar variation 96261 (VCV000096261.10), dbSNP rs398124440, ClinGen allele CA223875.
Genomic context (GRCh38, chr15:25,339,189, plus strand): 5'-GTTTTGTTTTACAGCATGCCAAATCCTTTGGCATACGTGATGGCCTTCAACAATCTCTCT[TTAAG>T]TTTTTCTTTGCTTGAGTATTCCGGAAGTAAAAGCACATTAAAGCAAGTATGAGATGTAGG-3'

ClinVar aggregate classification (germline): Pathogenic. Review status: criteria provided, multiple submitters, no conflicts (2 of 4 stars). 2 submissions from 2 submitters: Pathogenic (2). Last evaluated 2022-03-15.

Conditions:
Angelman syndrome (AS). Also called: HAPPY PUPPET SYNDROME. Identifiers: Orphanet 72, MedGen C0162635, MONDO:0007113, OMIM 105830. Disease mechanism: loss of function. Inheritance: AS is caused by disruption of maternally imprinted UBE3A located within the 15q11.2-q13 Angelman syndrome/Prader-Willi syndrome (AS/PWS) region., imprinting disorder.

Submissions (2):

Labcorp Genetics (formerly Invitae), Labcorp
Classification: Pathogenic for Angelman syndrome. Last evaluated: 2022-03-15. Review status: criteria provided, single submitter. Criteria: Invitae Variant Classification Sherloc (09022015). Collection method: clinical testing. Allele origin: germline.
Comment: This sequence change creates a premature translational stop signal (p.Leu835Lysfs*5) in the UBE3A gene. While this is not anticipated to result in nonsense mediated decay, it is expected to disrupt the last 18 amino acid(s) of the UBE3A protein. This variant is not present in population databases (gnomAD no frequency). This variant has not been reported in the literature in individuals affected with UBE3A-related conditions. ClinVar contains an entry for this variant (Variation ID: 96261). This variant disrupts a region of the UBE3A protein in which other variant(s) (p.Glu837Argfs*4) have been determined to be pathogenic (PMID: 11748306, 20034088). This suggests that this is a clinically significant region of the protein, and that variants that disrupt it are likely to be disease-causing. For these reasons, this variant has been classified as Pathogenic.

Eurofins Ntd Llc (ga)
Classification: Pathogenic. Last evaluated: 2013-10-16. Review status: criteria provided, single submitter. Criteria: EGL Classification Definitions. Collection method: clinical testing. Allele origin: germline. Observed: 1 variant allele, 1 heterozygote.

Literature cited by the submitters: PubMed 11748306 (cited by Labcorp Genetics (formerly Invitae), Labcorp); PubMed 20034088 (cited by Labcorp Genetics (formerly Invitae), Labcorp).